The following is an entry in ClinVar:

NM_006231.4(POLE):c.900C>T (p.Ile300=)

Gene: POLE (DNA polymerase epsilon, catalytic subunit; minus strand). Cytogenetic location: 12q24.33.
Variant type: single nucleotide variant.
Coding change: c.900C>T on transcript NM_006231.4 (MANE Select); coding-DNA position 900, C replaced by T.
Protein change: p.Ile300=; no amino-acid change (isoleucine 300 retained).
Molecular consequence: synonymous variant.
Genome position (GRCh38, 1-based): chr12:132,676,555, G>A on the plus strand (C>T on the coding strand, the complement: POLE is on the minus strand). VCF-style: chr12-132676555-G-A. GRCh37 (hg19) VCF-style: chr12-133253141-G-A.
Identifiers: ClinVar variation 512446 (VCV000512446.18), dbSNP rs1161210567, ClinGen allele CA482723389.

ClinVar aggregate classification (germline): Benign/Likely benign. Review status: criteria provided, multiple submitters, no conflicts (2 of 4 stars). 5 submissions from 5 submitters: Benign (1); Likely benign (4). Last evaluated 2025-11-13.

Conditions:
Hereditary cancer-predisposing syndrome. Also called: Hereditary neoplastic syndrome; Hereditary Cancer Syndrome; Neoplastic Syndromes, Hereditary; Tumor predisposition. Identifiers: Orphanet 140162, MedGen C0027672, MeSH D009386, MONDO:0015356.
Colorectal cancer, susceptibility to, 12 (CRCS12). Also called: COLORECTAL CANCER, SUSCEPTIBILITY TO, ON CHROMOSOME 12q24. Identifiers: Orphanet 220460, MedGen C3554460, MONDO:0014038, OMIM 615083.
POLE-related disorder. Also called: POLE-related disorders; POLE-related condition.

Allele frequency attached by ClinVar (database versions not stated): gnomAD exomes below 0.00001 and 0.00002.
gnomAD v4.1: 28 of 1,611,644 alleles (0.0017%); highest among the groups gnomAD compares: East Asian, 0.0022%; no homozygotes.

Submissions (5):

Labcorp Genetics (formerly Invitae), Labcorp
Classification: Likely benign. Last evaluated: 2025-11-13. Review status: criteria provided, single submitter. Criteria: Invitae Variant Classification Sherloc (09022015). Collection method: clinical testing. Allele origin: germline.

PreventionGenetics, part of Exact Sciences
Classification: Likely benign for POLE-related condition. Last evaluated: 2025-05-27. Review status: criteria provided, single submitter. Criteria: ACMG Guidelines, 2015. Collection method: clinical testing. Allele origin: germline.
Comment: This variant is classified as likely benign based on ACMG/AMP sequence variant interpretation guidelines (Richards et al. 2015 PMID: 25741868, with internal and published modifications).

Myriad Genetics, Inc.
Classification: Benign for Colorectal cancer, susceptibility to, 12. Last evaluated: 2025-02-07. Review status: criteria provided, single submitter. Criteria: Myriad Autosomal Dominant, Autosomal Recessive and X-Linked Classification Criteria (2023). Collection method: clinical testing. Allele origin: unknown.
Comment: This variant is considered benign. This variant is a silent/synonymous amino acid change and it is not expected to impact splicing.

Ambry Genetics
Classification: Likely benign for Hereditary cancer-predisposing syndrome. Last evaluated: 2017-11-30. Review status: criteria provided, single submitter. Criteria: Ambry Variant Classification Scheme 2023. Collection method: clinical testing. Allele origin: germline.

GeneDx
Classification: Likely benign. Last evaluated: 2017-10-03. Review status: criteria provided, single submitter. Criteria: GeneDx Variant Classification (06012015). Collection method: clinical testing. Allele origin: germline. Affected: yes.
Comment: This variant is considered likely benign or benign based on one or more of the following criteria: it is a conservative change, it occurs at a poorly conserved position in the protein, it is predicted to be benign by multiple in silico algorithms, and/or has population frequency not consistent with disease.